The following is an entry in ClinVar:

ClinVar aggregate classification (germline): Likely benign (0 of 4 stars; one submission).

Conditions:
GAPVD1-related disorder. Also called: GAPVD1-related condition.

Allele frequency attached by ClinVar (database versions not stated): gnomAD exomes 0.00007; ExAC 0.00027; 1000 Genomes Project 30x 0.00047; 1000 Genomes Project 0.00060; gnomAD 0.00074; TOPMed 0.00074; ESP Exome Variant Server 0.00115.
gnomAD v4.1: 215 of 1,613,946 alleles (0.013%); highest among the groups gnomAD compares: African/African-American, 0.26%; no homozygotes.

Submission:

PreventionGenetics, part of Exact Sciences
Classification: Likely benign for GAPVD1-related condition. Last evaluated: 2020-02-05. Review status: no assertion criteria provided. Collection method: clinical testing. Allele origin: germline.
Comment: This variant is classified as likely benign based on ACMG/AMP sequence variant interpretation guidelines (Richards et al. 2015 PMID: 25741868, with internal and published modifications).

NM_001282680.3(GAPVD1):c.3525T>C (p.Asn1175=)

Gene: GAPVD1 (GTPase activating protein and VPS9 domains 1; plus strand). Cytogenetic location: 9q33.3.
Variant type: single nucleotide variant.
Coding change: c.3525T>C on transcript NM_001282680.3 (MANE Select); coding-DNA position 3525, T replaced by C.
Protein change: p.Asn1175=; no amino-acid change (asparagine 1175 retained).
Molecular consequence: synonymous variant. On other transcripts: non-coding transcript variant (2).
Genome position (GRCh38, 1-based): chr9:125,350,828, T>C. VCF-style: chr9-125350828-T-C. GRCh37 (hg19) VCF-style: chr9-128113107-T-C.
Other names: c.3579T>C, p.Asn1193= (NM_001282679.2); c.3462T>C, p.Asn1154= (NM_001282681.3, NM_001354297.2, NM_001354300.2); c.3381T>C, p.Asn1127= (NM_001330777.3); c.3444T>C, p.Asn1148= (NM_001330778.3); c.3525T>C, p.Asn1175= (NM_001354294.2, NM_001354295.2, NM_001354296.2 and 3 more transcripts); c.3606T>C, p.Asn1202= (NM_015635.4).
Identifiers: ClinVar variation 3051713 (VCV003051713.2), dbSNP rs142934259, ClinGen allele CA5240760.
Genomic context (GRCh38, chr9:125,350,828, plus strand): 5'-AGATAAGAATCTAATGGCTCAACTTCAAGAAACAATGCGCTGTGTGTGCCGTTTTGATAA[T>C]AGGACTTGTAGGAAACTGCTGGCTTCGATTGCTGAGGACTACAGGTAATATACCCCACCT-3'
Protein context (NP_001269609.1, residues 1165-1185): ETMRCVCRFD[Asn1175=]RTCRKLLASI